The following is an entry in ClinVar:

NM_000352.6(ABCC8):c.817C>T (p.Gln273Ter)

Gene: ABCC8 (ATP binding cassette subfamily C member 8; minus strand). Cytogenetic location: 11p15.1.
Variant type: single nucleotide variant.
Coding change: c.817C>T on transcript NM_000352.6 (MANE Select); coding-DNA position 817, C replaced by T.
Protein change: p.Gln273Ter; replaces glutamine 273 with a stop codon.
Molecular consequence: nonsense. On other transcripts: non-coding transcript variant (1).
Genome position (GRCh38, 1-based): chr11:17,461,588, G>A on the plus strand (C>T on the coding strand, the complement: ABCC8 is on the minus strand). VCF-style: chr11-17461588-G-A. GRCh37 (hg19) VCF-style: chr11-17483135-G-A.
Other names: c.817C>T (NM_000352.4); c.817C>T, p.Gln273Ter (NM_001287174.3, NM_001351295.2, NM_001351296.2 and 1 more transcripts); short protein forms Q273*.
Identifiers: ClinVar variation 4687597 (VCV004687597.2).

ClinVar aggregate classification (germline): Pathogenic/Likely pathogenic. Review status: criteria provided, multiple submitters, no conflicts (2 of 4 stars). 2 submissions from 2 submitters: Pathogenic (1); Likely pathogenic (1). Last evaluated 2025-10-03.

Conditions:
Familial hyperinsulinism. Also called: Congenital hyperinsulinism. Identifiers: Orphanet 276525, MedGen C3888018, MONDO:0017182. Disease mechanism: loss of function.
Hereditary hyperinsulinism.

Submissions (2):

Women's Health and Genetics/Laboratory Corporation of America, LabCorp
Classification: Pathogenic for Familial hyperinsulinism. Last evaluated: 2025-10-03. Review status: criteria provided, single submitter. Criteria: LabCorp Variant Classification Summary - May 2015. Collection method: clinical testing. Allele origin: germline.
Comment: Variant summary: ABCC8 c.817C>T (p.Gln273X) results in a premature termination codon, predicted to cause a truncation of the encoded protein or absence of the protein due to nonsense mediated decay, which are commonly known mechanisms for disease. The variant was absent in 251118 control chromosomes. To our knowledge, no occurrence of c.817C>T in individuals affected with ABCC8-related conditions and no experimental evidence demonstrating its impact on protein function have been reported. No submitters have cited clinical-significance assessments for this variant to ClinVar. Based on the evidence outlined above, the variant was classified as pathogenic.

Natera, Inc.
Classification: Likely pathogenic for Hereditary hyperinsulinism. Last evaluated: 2024-05-21. Review status: criteria provided, single submitter. Criteria: Natera Variant Classification Schema (03/2026). Collection method: clinical testing. Allele origin: germline.
Comment: The c.817C>T variant in ABCC8 is a nonsense variant predicted to introduce a stop codon at amino acid 273. This variant is expected to result in nonsense mediated decay, truncation, or a dysfunctional protein product. This variant is rare in the general population with a frequency below the threshold expected for the associated phenotype(s). Given the available evidence, this variant is classified as Likely Pathogenic.